The following is an entry in ClinVar:

NM_000038.6(APC):c.6358G>T (p.Ala2120Ser)

Gene: APC (APC regulator of Wnt signaling pathway; plus strand). Cytogenetic location: 5q22.2.
Variant type: single nucleotide variant.
Coding change: c.6358G>T on transcript NM_000038.6 (MANE Select); coding-DNA position 6358, G replaced by T.
Protein change: p.Ala2120Ser; replaces alanine 2120 with serine.
Molecular consequence: missense variant.
Genome position (GRCh38, 1-based): chr5:112,841,952, G>T. VCF-style: chr5-112841952-G-T. GRCh37 (hg19) VCF-style: chr5-112177649-G-T.
Other names: c.6358G>T, p.Ala2120Ser (NM_001127510.3, NM_001354895.2); c.6304G>T, p.Ala2102Ser (NM_001127511.3); c.6412G>T, p.Ala2138Ser (NM_001354896.2); c.6388G>T, p.Ala2130Ser (NM_001354897.2); c.6283G>T, p.Ala2095Ser (NM_001354898.2); c.6274G>T, p.Ala2092Ser (NM_001354899.2); c.6235G>T, p.Ala2079Ser (NM_001354900.2); c.6181G>T, p.Ala2061Ser (NM_001354901.2); and 5 more; short protein forms A2102S, A2120S, A2095S, A2019S, A2079S, A2092S, A2130S, A1837S.
Identifiers: ClinVar variation 184052 (VCV000184052.24), dbSNP rs754015152, ClinGen allele CA011104.

ClinVar aggregate classification (germline): Uncertain significance. Review status: criteria provided, multiple submitters, no conflicts (2 of 4 stars). 7 submissions from 7 submitters: Uncertain significance (7). Last evaluated 2025-12-16.

Conditions:
Classic or attenuated familial adenomatous polyposis. Identifiers: MedGen CN372698, MONDO:0021057.
APC-related disorder. Also called: APC-related condition.
Hereditary cancer-predisposing syndrome. Also called: Neoplastic Syndromes, Hereditary; Tumor predisposition; Hereditary neoplastic syndrome; Hereditary Cancer Syndrome. Identifiers: Orphanet 140162, MedGen C0027672, MeSH D009386, MONDO:0015356.
Familial adenomatous polyposis 1 (FAP1). Also called: FAMILIAL ADENOMATOUS POLYPOSIS 1, ATTENUATED; POLYPOSIS, ADENOMATOUS INTESTINAL. Identifiers: MedGen C2713442, MONDO:0021056, OMIM 175100. Disease mechanism: loss of function.

Allele frequency attached by ClinVar (database versions not stated): ExAC 0.00001; gnomAD exomes 0.00001.
gnomAD v4.1: 10 of 1,613,920 alleles (0.00062%); highest among the groups gnomAD compares: Non-Finnish European, 0.00085%; no homozygotes.

Submissions (7):

Color Diagnostics, LLC DBA Color Health
Classification: Uncertain significance for Hereditary cancer-predisposing syndrome. Last evaluated: 2025-12-16. Review status: criteria provided, single submitter. Criteria: ACMG Guidelines, 2015. Collection method: clinical testing. Allele origin: germline.
Comment: This missense variant replaces alanine with serine at codon 2120 of the APC protein. Computational prediction is inconclusive regarding the impact of this variant on protein structure and function. To our knowledge, functional studies have not been reported for this variant. This variant has not been reported in individuals affected with APC-related disorders in the literature. This variant has been identified in 10/1613920 chromosomes in the general population by the Genome Aggregation Database (gnomAD). The available evidence is insufficient to determine the role of this variant in disease conclusively. Therefore, this variant is classified as a Variant of Uncertain Significance.

PreventionGenetics, part of Exact Sciences
Classification: Uncertain significance for APC-related condition. Last evaluated: 2025-10-08. Review status: criteria provided, single submitter. Criteria: ACMG Guidelines, 2015. Collection method: clinical testing. Allele origin: germline.
Comment: The APC c.6358G>T variant is predicted to result in the amino acid substitution p.Ala2120Ser. To our knowledge, this variant has not been reported in the literature. This variant is reported in 0.0018% of alleles in individuals of European (Non-Finnish) descent in gnomAD, and is classified as a variant of uncertain significance in ClinVar (Variation ID: 184052). At this time, the clinical significance of this variant is uncertain due to the absence of conclusive functional and genetic evidence.

Labcorp Genetics (formerly Invitae), Labcorp
Classification: Uncertain significance for Familial adenomatous polyposis 1. Last evaluated: 2025-09-30. Review status: criteria provided, single submitter. Criteria: Invitae Variant Classification Sherloc (09022015). Collection method: clinical testing. Allele origin: germline.
Comment: This sequence change replaces alanine, which is neutral and non-polar, with serine, which is neutral and polar, at codon 2120 of the APC protein (p.Ala2120Ser). This variant is present in population databases (rs754015152, gnomAD 0.002%). This variant has not been reported in the literature in individuals affected with APC-related conditions. ClinVar contains an entry for this variant (Variation ID: 184052). Invitae Evidence Modeling of protein sequence and biophysical properties (such as structural, functional, and spatial information, amino acid conservation, physicochemical variation, residue mobility, and thermodynamic stability) indicates that this missense variant is not expected to disrupt APC protein function with a negative predictive value of 95%. In summary, the available evidence is currently insufficient to determine the role of this variant in disease. Therefore, it has been classified as a Variant of Uncertain Significance.

Baylor Genetics
Classification: Uncertain significance for Familial adenomatous polyposis 1. Last evaluated: 2024-02-25. Review status: criteria provided, single submitter. Criteria: ACMG Guidelines, 2015. Collection method: clinical testing. Allele origin: unknown.

Ambry Genetics
Classification: Uncertain significance for Hereditary cancer-predisposing syndrome. Last evaluated: 2024-01-24. Review status: criteria provided, single submitter. Criteria: Ambry Variant Classification Scheme 2023. Collection method: clinical testing. Allele origin: germline.
Comment: The p.A2120S variant (also known as c.6358G>T), located in coding exon 15 of the APC gene, results from a G to T substitution at nucleotide position 6358. The alanine at codon 2120 is replaced by serine, an amino acid with similar properties. This amino acid position is highly conserved in available vertebrate species. In addition, in silico predictors for this gene do not accurately predict pathogenicity. Based on the available evidence, the clinical significance of this alteration remains unclear.

All of Us Research Program, National Institutes of Health
Classification: Uncertain significance for Classic or attenuated familial adenomatous polyposis. Last evaluated: 2023-11-02. Review status: criteria provided, single submitter. Criteria: ACMG Guidelines, 2015. Collection method: clinical testing. Allele origin: germline. Inheritance: Autosomal dominant inheritance. Observed: 1 variant allele, 1 heterozygote.
Comment: This missense variant replaces alanine with serine at codon 2120 of the APC protein. Computational prediction is inconclusive regarding the impact of this variant on protein structure and function (internally defined REVEL score threshold 0.5 < inconclusive < 0.7, PMID: 27666373). To our knowledge, functional studies have not been reported for this variant. This variant has not been reported in individuals affected with APC-related disorders in the literature. This variant has been identified in 2/250928 chromosomes in the general population by the Genome Aggregation Database (gnomAD). The available evidence is insufficient to determine the role of this variant in disease conclusively. Therefore, this variant is classified as a Variant of Uncertain Significance.

This study involves interpretation of variants in research participants for the purpose of population health screening. Participant phenotype was not available at the time of variant classification. Additional details can be found in publication PMID: 35346344, PMCID: PMC8962531

Blueprint Genetics
Classification: Uncertain significance. Last evaluated: 2021-02-11. Review status: criteria provided, single submitter. Criteria: ACMG Guidelines, 2015. Collection method: clinical testing. Allele origin: germline.